The following is an entry in ClinVar:

NM_001142864.4(PIEZO1):c.729G>A (p.Arg243=)

Genes: HSALR1 (HSP90AB1 associated lncRNA 1; plus strand), PIEZO1 (piezo type mechanosensitive ion channel component 1 (Er blood group); minus strand). Cytogenetic location: 16q24.3.
Variant type: single nucleotide variant.
Coding change: c.729G>A on transcript NM_001142864.4 (MANE Select); coding-DNA position 729, G replaced by A.
Protein change: p.Arg243=; no amino-acid change (arginine 243 retained).
Molecular consequence: synonymous variant. On other transcripts: non-coding transcript variant (1).
Genome position (GRCh38, 1-based): chr16:88,738,346, C>T on the plus strand (G>A on the coding strand, the complement: PIEZO1 is on the minus strand). VCF-style: chr16-88738346-C-T. GRCh37 (hg19) VCF-style: chr16-88804754-C-T.
Other names: p.Arg243=.
Identifiers: ClinVar variation 4684160 (VCV004684160.1).

ClinVar aggregate classification (germline): Likely benign (1 of 4 stars; one submission).

Submission:

Mayo Clinic Laboratories, Mayo Clinic
Classification: Likely benign. Last evaluated: 2025-05-07. Review status: criteria provided, single submitter. Criteria: ACMG Guidelines, 2015. Collection method: clinical testing. Allele origin: germline. Observed: 1 variant allele.
Comment: BP4, BP7, PM2_supporting